The following is an entry in ClinVar:

ClinVar aggregate classification (germline): Likely benign (1 of 4 stars; one submission).

Submission:

GeneDx
Classification: Likely benign. Last evaluated: 2017-07-11. Review status: criteria provided, single submitter. Criteria: GeneDx Variant Classification (06012015). Collection method: clinical testing. Allele origin: germline. Affected: yes.
Comment: This variant is considered likely benign or benign based on one or more of the following criteria: it is a conservative change, it occurs at a poorly conserved position in the protein, it is predicted to be benign by multiple in silico algorithms, and/or has population frequency not consistent with disease.

NM_001267550.2(TTN):c.14410C>G (p.Leu4804Val)

Gene: TTN (titin; minus strand). Cytogenetic location: 2q31.2.
Variant type: single nucleotide variant.
Coding change: c.14410C>G on transcript NM_001267550.2 (MANE Select); coding-DNA position 14410, C replaced by G.
Protein change: p.Leu4804Val; replaces leucine 4804 with valine.
Molecular consequence: missense variant. On other transcripts: intron variant (3).
Genome position (GRCh38, 1-based): chr2:178,736,036, G>C on the plus strand (C>G on the coding strand, the complement: TTN is on the minus strand). VCF-style: chr2-178736036-G-C. GRCh37 (hg19) VCF-style: chr2-179600763-G-C.
Other names: c.13459C>G, p.Leu4487Val (NM_001256850.1); c.10678C>G, p.Leu3560Val (NM_133378.4); c.13282+2046C>G (NM_003319.4); c.13858+2046C>G (NM_133437.4); c.13657+2046C>G (NM_133432.3); short protein forms L4487V, L4804V, L3560V.
Identifiers: ClinVar variation 510843 (VCV000510843.1), dbSNP rs1553932306, ClinGen allele CA349600058.
Genomic context (GRCh38, chr2:178,736,036, plus strand): 5'-TCACAGGAGTCCCTGTCACTGTGCAGATGAACTTGGCTGCCTTACCCACAAAAGTTGTAA[G>C]GGACTTAGGTCTGGAGAGAAAGGTTGGTGGATATGCCTCTGCAAAAGAAATTTTTCCAGC-3'
Protein context (NP_001254479.2, residues 4794-4814): PPTFLSRPKS[Leu4804Val]TTFVGKAAKF